The following is an entry in ClinVar:

ClinVar aggregate classification (germline): Uncertain significance (1 of 4 stars; one submission).

Submission:

Dasa
Classification: Uncertain significance. Last evaluated: 2024-11-08. Review status: criteria provided, single submitter. Criteria: DASA Assertion Criteria. Collection method: clinical testing. Allele origin: germline.
Comment: NM_015570.4(AUTS2):c.1448C>A (p.Pro483Gln) is a missense variant that results in the substitution of proline with glutamine. This variant is absent from population databases. Computational prediction algorithms are consistent with a benign effect. The currently available literature and clinical evidence are not sufficient to establish a definitive association between this variant and the reported condition. Therefore, this variant is classified as a variant of uncertain significance.

NM_015570.4(AUTS2):c.1448C>A (p.Pro483Gln)

Gene: AUTS2 (activator of transcription and developmental regulator AUTS2; plus strand). Cytogenetic location: 7q11.22.
Variant type: single nucleotide variant.
Coding change: c.1448C>A on transcript NM_015570.4 (MANE Select); coding-DNA position 1448, C replaced by A.
Protein change: p.Pro483Gln; replaces proline 483 with glutamine.
Molecular consequence: missense variant.
Genome position (GRCh38, 1-based): chr7:70,764,985, C>A. VCF-style: chr7-70764985-C-A. GRCh37 (hg19) VCF-style: chr7-70229971-C-A.
Other names: c.1448C>A, p.Pro483Gln (NM_001127231.3); short protein forms P483Q.
Identifiers: ClinVar variation 4885018 (VCV004885018.2).